The following is an entry in ClinVar:

ClinVar aggregate classification (germline): Uncertain significance (1 of 4 stars; one submission).

Conditions:
Catecholaminergic polymorphic ventricular tachycardia (CVPT). Also called: Catecholamine-induced polymorphic ventricular tachycardia. Identifiers: Orphanet 3286, MedGen C5574922, MONDO:0017990.

Submission:

All of Us Research Program, National Institutes of Health
Classification: Uncertain significance for Catecholaminergic polymorphic ventricular tachycardia. Last evaluated: 2024-09-23. Review status: criteria provided, single submitter. Criteria: ACMG Guidelines, 2015. Collection method: clinical testing. Allele origin: germline. Inheritance: Autosomal dominant inheritance. Observed: 1 variant allele, 1 heterozygote.
Comment: This study involves interpretation of variants in research participants for the purpose of population health screening. Participant phenotype was not available at the time of variant classification. Additional details can be found in publication PMID: 35346344, PMCID: PMC8962531

NM_001035.3(RYR2):c.8906C>T (p.Pro2969Leu)

Gene: RYR2 (ryanodine receptor 2; plus strand). Cytogenetic location: 1q43.
Variant type: single nucleotide variant.
Coding change: c.8906C>T on transcript NM_001035.3 (MANE Select); coding-DNA position 8906, C replaced by T.
Protein change: p.Pro2969Leu; replaces proline 2969 with leucine.
Molecular consequence: missense variant.
Genome position (GRCh38, 1-based): chr1:237,680,466, C>T. VCF-style: chr1-237680466-C-T. GRCh37 (hg19) VCF-style: chr1-237843766-C-T.
Other names: short protein forms P2969L.
Identifiers: ClinVar variation 3385807 (VCV003385807.1).
Genomic context (GRCh38, chr1:237,680,466, plus strand): 5'-CCCCTGAAAGATTCCACTACGTAGATCTGTCTTCTTTTCCTTTCTTTCAGGTCGTTCTTC[C>T]TTTAATTGATCAGTATTTCAAAAACCATCGTTTATACTTCTTATCTGCAGCAAGCAGACC-3'
Protein context (NP_001026.2, residues 2959-2979): EIKFFAKVVL[Pro2969Leu]LIDQYFKNHR